The following is an entry in ClinVar:

NM_000238.4(KCNH2):c.2902_2908dup (p.Gly970fs)

Gene: KCNH2 (potassium voltage-gated channel subfamily H member 2; minus strand). Cytogenetic location: 7q36.1.
Variant type: Duplication.
Coding change: c.2902_2908dup on transcript NM_000238.4 (MANE Select); coding-DNA positions 2902 to 2908, 7 bases duplicated (CCGGGTG; older notation c.2902_2908dupCCGGGTG).
Protein change: p.Gly970fs; shifts the reading frame from glycine 970.
Molecular consequence: frameshift variant. On other transcripts: non-coding transcript variant (2).
Genome position (GRCh38, 1-based): chr7:150,947,663-150,947,669, CACCCGG duplicated on the plus strand (CCGGGTG on the coding strand, the reverse complement: KCNH2 is on the minus strand); duplicating any 7 consecutive bases within chr7:150,947,663-150,947,670 gives the same sequence; the c. name uses the placement nearest the transcript's 3' end. VCF-style (leftmost placement, unchanged base first): chr7-150947662-C-CCACCCGG. GRCh37 (hg19) VCF-style: chr7-150644750-C-CCACCCGG.
Other names: c.2614_2620dup, p.Gly874fs (NM_001406753.1); c.1882_1888dup, p.Gly630fs (NM_172057.3); c.2902_2908dupCCGGGTG (NM_000238.3); short protein forms G630fs, G874fs, G970fs.
Identifiers: ClinVar variation 4858633 (VCV004858633.1).

ClinVar aggregate classification (germline): Likely pathogenic (1 of 4 stars; one submission).

Conditions:
Cardiovascular phenotype. Identifiers: MedGen CN230736.

Submission:

Ambry Genetics
Classification: Likely pathogenic for Cardiovascular phenotype. Last evaluated: 2026-04-22. Review status: criteria provided, single submitter. Criteria: Ambry Variant Classification Scheme 2023. Collection method: clinical testing. Allele origin: germline.
Comment: The c.2902_2908dupCCGGGTG variant, located in coding exon 12 of the KCNH2 gene, results from a duplication of CCGGGTG at nucleotide position 2902, causing a translational frameshift with a predicted alternate stop codon (p.G970Afs*151). This variant occurs at the 3' terminus of the gene, is not expected to trigger nonsense-mediated mRNA decay, and impacts the last 16% of the protein. However, premature stop codons are typically deleterious in nature, a significant portion of the protein is affected, and the impacted region is critical for protein function (Ambry internal data). This variant was reported in individual(s) with features consistent with long QT syndrome (Ambry internal data). This variant is considered to be rare based on population cohorts in the Genome Aggregation Database (gnomAD). Based on the majority of available evidence to date, this variant is likely to be pathogenic.